The following is an entry in ClinVar:

ClinVar aggregate classification (germline): Pathogenic/Likely pathogenic. Review status: criteria provided, multiple submitters, no conflicts (2 of 4 stars). 3 submissions from 3 submitters: Pathogenic (1); Likely pathogenic (2). Last evaluated 2026-03-01.

Conditions:
Hyperkalemic periodic paralysis. Also called: Familial hyperkalemic periodic paralysis; Gamstorp disease. Identifiers: Orphanet 682, MedGen C0238357, MONDO:0008224, OMIM 170500, HP:0007215.

Submissions (3):

CeGaT Center for Human Genetics Tuebingen
Classification: Pathogenic. Last evaluated: 2026-03-01. Review status: criteria provided, single submitter. Criteria: CeGaT Center For Human Genetics Tuebingen Variant Classification Criteria Version 2. Collection method: clinical testing. Allele origin: germline. Affected: yes. Observed: 1 variant allele.
Comment: SCN4A: PVS1, PM2

Revvity Omics, Revvity
Classification: Likely pathogenic. Last evaluated: 2022-11-28. Review status: criteria provided, single submitter. Criteria: ACMG Guidelines, 2015. Collection method: clinical testing. Allele origin: germline.

Labcorp Genetics (formerly Invitae), Labcorp
Classification: Likely pathogenic for Hyperkalemic periodic paralysis. Last evaluated: 2022-08-22. Review status: criteria provided, single submitter. Criteria: Invitae Variant Classification Sherloc (09022015). Collection method: clinical testing. Allele origin: germline.
Comment: In summary, the currently available evidence indicates that the variant is pathogenic, but additional data are needed to prove that conclusively. Therefore, this variant has been classified as Likely Pathogenic. Algorithms developed to predict the effect of sequence changes on RNA splicing suggest that this variant may disrupt the consensus splice site. This variant has not been reported in the literature in individuals affected with SCN4A-related conditions. This variant is not present in population databases (gnomAD no frequency). This sequence change affects an acceptor splice site in intron 6 of the SCN4A gene. It is expected to disrupt RNA splicing. Variants that disrupt the donor or acceptor splice site typically lead to a loss of protein function (PMID: 16199547), and loss-of-function variants in SCN4A are known to be pathogenic (PMID: 26700687).

Literature cited by the submitters: PubMed 16199547 (cited by Labcorp Genetics (formerly Invitae), Labcorp); PubMed 26700687 (cited by Labcorp Genetics (formerly Invitae), Labcorp).

NM_000334.4(SCN4A):c.1037-1G>A

Gene: SCN4A (sodium voltage-gated channel alpha subunit 4; minus strand). Cytogenetic location: 17q23.3.
Variant type: single nucleotide variant.
Coding change: c.1037-1G>A on transcript NM_000334.4 (MANE Select); the canonical splice acceptor site of the intron before coding-DNA position 1037, G replaced by A.
Molecular consequence: splice acceptor variant.
Genome position (GRCh38, 1-based): chr17:63,966,545, C>T on the plus strand (G>A on the coding strand, the complement: SCN4A is on the minus strand). VCF-style: chr17-63966545-C-T. GRCh37 (hg19) VCF-style: chr17-62043905-C-T.
Identifiers: ClinVar variation 1941601 (VCV001941601.12), dbSNP rs1909453191, ClinGen allele CA400636941.